The following is an entry in ClinVar:

ClinVar aggregate classification (germline): Benign/Likely benign. Review status: criteria provided, multiple submitters, no conflicts (2 of 4 stars). 3 submissions from 3 submitters: Benign (1); Likely benign (2). Last evaluated 2025-12-24.

Conditions:
ANKRD1-related disorder. Also called: ANKRD1-related condition.
ANKRD1-related dilated cardiomyopathy. Identifiers: MedGen CN119551.

Submissions (3):

Labcorp Genetics (formerly Invitae), Labcorp
Classification: Likely benign for ANKRD1-related dilated cardiomyopathy. Last evaluated: 2025-12-24. Review status: criteria provided, single submitter. Criteria: Invitae Variant Classification Sherloc (09022015). Collection method: clinical testing. Allele origin: germline.

PreventionGenetics, part of Exact Sciences
Classification: Likely benign for ANKRD1-related condition. Last evaluated: 2025-05-27. Review status: criteria provided, single submitter. Criteria: ACMG Guidelines, 2015. Collection method: clinical testing. Allele origin: germline.
Comment: This variant is classified as likely benign based on ACMG/AMP sequence variant interpretation guidelines (Richards et al. 2015 PMID: 25741868, with internal and published modifications).

Women's Health and Genetics/Laboratory Corporation of America, LabCorp
Classification: Benign. Last evaluated: 2024-06-19. Review status: criteria provided, single submitter. Criteria: LabCorp Variant Classification Summary - May 2015. Collection method: clinical testing. Allele origin: germline.
Comment: Variant summary: ANKRD1 c.346-23_346-12del12 alters a nucleotide located at a position not widely known to affect splicing. Consensus agreement among computation tools predict no significant impact on normal splicing. However, these predictions have yet to be confirmed by functional studies. The variant allele was found at a frequency of 0.00054 in 1407580 control chromosomes, predominantly at a frequency of 0.015 within the African or African-American subpopulation in the gnomAD database, including 14 homozygotes. The observed variant frequency within African or African-American control individuals in the gnomAD database is approximately 600 fold of the estimated maximal expected allele frequency for a pathogenic variant in ANKRD1 causing Cardiomyopathy phenotype (2.5e-05). To our knowledge, no occurrence of c.346-23_346-12del12 in individuals affected with Cardiomyopathy and no experimental evidence demonstrating its impact on protein function have been reported. ClinVar contains an entry for this variant (Variation ID: 1624041). Based on the evidence outlined above, the variant was classified as benign.

NM_014391.3(ANKRD1):c.346-23_346-12del

Gene: ANKRD1 (ankyrin repeat domain 1; minus strand). Cytogenetic location: 10q23.31.
Variant type: Deletion.
Coding change: c.346-23_346-12del on transcript NM_014391.3 (MANE Select); 23 bases into the intron before coding-DNA position 346 through 12 bases into the intron before coding-DNA position 346, 12 bases deleted (ATATTTATTTAT).
Molecular consequence: intron variant.
Genome position (GRCh38, 1-based): chr10:90,918,984-90,918,995, ATAAATAAATAT deleted on the plus strand (ATATTTATTTAT on the coding strand, the reverse complement: ANKRD1 is on the minus strand); deleting any 12 consecutive bases within chr10:90,918,984-90,918,998 gives the same sequence; the c. name uses the placement nearest the transcript's 3' end. VCF-style (leftmost placement, unchanged base first): chr10-90918983-AATAAATAAATAT-A. GRCh37 (hg19) VCF-style: chr10-92678740-AATAAATAAATAT-A.
Other names: c.346-23_346-12del12 (NM_014391.3, NM_014391.2).
Identifiers: ClinVar variation 1624041 (VCV001624041.10), dbSNP rs757647465, ClinGen allele CA5598753.